The following is an entry in ClinVar:

ClinVar aggregate classification (germline): Uncertain significance (1 of 4 stars; one submission).

Submission:

Labcorp Genetics (formerly Invitae), Labcorp
Classification: Uncertain significance. Last evaluated: 2025-08-24. Review status: criteria provided, single submitter. Criteria: Invitae Variant Classification Sherloc (09022015). Collection method: clinical testing. Allele origin: germline.
Comment: This sequence change replaces glutamic acid, which is acidic and polar, with lysine, which is basic and polar, at codon 425 of the MSH3 protein (p.Glu425Lys). This variant is not present in population databases (gnomAD no frequency). This variant has not been reported in the literature in individuals affected with MSH3-related conditions. An algorithm developed to predict the effect of missense changes on protein structure and function (PolyPhen-2) suggests that this variant is likely to be disruptive. In summary, the available evidence is currently insufficient to determine the role of this variant in disease. Therefore, it has been classified as a Variant of Uncertain Significance.

NM_002439.5(MSH3):c.1273G>A (p.Glu425Lys)

Gene: MSH3 (mutS homolog 3; plus strand). Cytogenetic location: 5q14.1.
Variant type: single nucleotide variant.
Coding change: c.1273G>A on transcript NM_002439.5 (MANE Select); coding-DNA position 1273, G replaced by A.
Protein change: p.Glu425Lys; replaces glutamic acid 425 with lysine.
Molecular consequence: missense variant.
Genome position (GRCh38, 1-based): chr5:80,679,026, G>A. VCF-style: chr5-80679026-G-A. GRCh37 (hg19) VCF-style: chr5-79974845-G-A.
Other names: short protein forms E425K.
Identifiers: ClinVar variation 4725925 (VCV004725925.1).
Genomic context (GRCh38, chr5:80,679,026, plus strand): 5'-TTCCAGGACTCTGCTTCTCGTTCAGAGCTAGAAACCCGGATGTCAAGCCTGCAGCCAGTA[G>A]AGCTGCTGCTTCCTTCGGCCTTGTCCGAGCAAACAGAGGCGCTCATCCACAGAGCCACAT-3'
Protein context (NP_002430.3, residues 415-435): ETRMSSLQPV[Glu425Lys]LLLPSALSEQ